The following is an entry in ClinVar:

NM_017617.5(NOTCH1):c.4266G>A (p.Gly1422=)

Gene: NOTCH1 (notch receptor 1; minus strand). Cytogenetic location: 9q34.3.
Variant type: single nucleotide variant.
Coding change: c.4266G>A on transcript NM_017617.5 (MANE Select); coding-DNA position 4266, G replaced by A.
Protein change: p.Gly1422=; no amino-acid change (glycine 1422 retained).
Molecular consequence: synonymous variant.
Genome position (GRCh38, 1-based): chr9:136,505,630, C>T on the plus strand (G>A on the coding strand, the complement: NOTCH1 is on the minus strand). VCF-style: chr9-136505630-C-T. GRCh37 (hg19) VCF-style: chr9-139400082-C-T.
Other names: c.4266G>A (NM_017617.3, NM_017617.4).
Identifiers: ClinVar variation 2659748 (VCV002659748.29), dbSNP rs1366218391, ClinGen allele CA467832894.

ClinVar aggregate classification (germline): Likely benign. Review status: criteria provided, multiple submitters, no conflicts (2 of 4 stars). 4 submissions from 4 submitters: Likely benign (3). 1 of the submissions does not count toward it. Last evaluated 2026-05-28.

Conditions:
NOTCH1-related disorder. Also called: NOTCH1-related condition; NOTCH1-related disorders.
Familial thoracic aortic aneurysm and aortic dissection (TAAD). Also called: Thoracic aortic aneurysms and dissections. Identifiers: Orphanet 91387, MedGen C4707243, MONDO:0019625.
Adams-Oliver syndrome 5 (AOS5). Identifiers: Orphanet 974, MedGen C4014970, MONDO:0014459, OMIM 616028.

Allele frequency attached by ClinVar (database versions not stated): TOPMed below 0.00001.

Submissions (4):

Ambry Genetics
Classification: Likely benign for Familial thoracic aortic aneurysm and aortic dissection. Last evaluated: 2026-05-28. Review status: criteria provided, single submitter. Criteria: Ambry Variant Classification Scheme 2023. Collection method: clinical testing. Allele origin: germline.

Labcorp Genetics (formerly Invitae), Labcorp
Classification: Likely benign for Adams-Oliver syndrome 5. Last evaluated: 2023-09-09. Review status: criteria provided, single submitter. Criteria: Invitae Variant Classification Sherloc (09022015). Collection method: clinical testing. Allele origin: germline.

CeGaT Center for Human Genetics Tuebingen
Classification: Likely benign. Last evaluated: 2022-04-01. Review status: criteria provided, single submitter. Criteria: CeGaT Center For Human Genetics Tuebingen Variant Classification Criteria Version 2. Collection method: clinical testing. Allele origin: germline. Affected: yes. Observed: 1 variant allele.
Comment: NOTCH1: BP4, BP7

PreventionGenetics, part of Exact Sciences
Classification: Likely benign for NOTCH1-related condition. Last evaluated: 2019-09-04. Review status: no assertion criteria provided. Collection method: clinical testing. Allele origin: germline. Not counted in ClinVar's aggregate classification.
Comment: This variant is classified as likely benign based on ACMG/AMP sequence variant interpretation guidelines (Richards et al. 2015 PMID: 25741868, with internal and published modifications).